The following is an entry in ClinVar:

NM_013275.6(ANKRD11):c.5008C>G (p.Pro1670Ala)

Gene: ANKRD11 (ankyrin repeat domain 11; minus strand). Cytogenetic location: 16q24.3.
Variant type: single nucleotide variant.
Coding change: c.5008C>G on transcript NM_013275.6 (MANE Select); coding-DNA position 5008, C replaced by G.
Protein change: p.Pro1670Ala; replaces proline 1670 with alanine.
Molecular consequence: missense variant.
Genome position (GRCh38, 1-based): chr16:89,281,534, G>C on the plus strand (C>G on the coding strand, the complement: ANKRD11 is on the minus strand). VCF-style: chr16-89281534-G-C. GRCh37 (hg19) VCF-style: chr16-89347942-G-C.
Other names: c.5008C>G, p.Pro1670Ala (NM_001256182.2, NM_001256183.2); short protein forms P1670A.
Identifiers: ClinVar variation 1719423 (VCV001719423.5), dbSNP rs2034247489, ClinGen allele CA397156016.

ClinVar aggregate classification (germline): Uncertain significance (1 of 4 stars; one submission).

Conditions:
KBG syndrome (KBGS). Also called: ANKRD11-Related KBG Syndrome. Identifiers: Orphanet 2332, MedGen C0220687, MONDO:0007846, OMIM 148050.

Allele frequency attached by ClinVar (database versions not stated): gnomAD exomes below 0.00001.
gnomAD v4.1: 1 of 1,614,226 alleles (0.000062%); highest among the groups gnomAD compares: Non-Finnish European, 0.000085%; no homozygotes.

Submission:

Labcorp Genetics (formerly Invitae), Labcorp
Classification: Uncertain significance for KBG syndrome. Last evaluated: 2022-09-14. Review status: criteria provided, single submitter. Criteria: Invitae Variant Classification Sherloc (09022015). Collection method: clinical testing. Allele origin: germline.
Comment: In summary, the available evidence is currently insufficient to determine the role of this variant in disease. Therefore, it has been classified as a Variant of Uncertain Significance. Advanced modeling of protein sequence and biophysical properties (such as structural, functional, and spatial information, amino acid conservation, physicochemical variation, residue mobility, and thermodynamic stability) performed at Invitae indicates that this missense variant is not expected to disrupt ANKRD11 protein function. This variant has not been reported in the literature in individuals affected with ANKRD11-related conditions. This variant is not present in population databases (gnomAD no frequency). This sequence change replaces proline, which is neutral and non-polar, with alanine, which is neutral and non-polar, at codon 1670 of the ANKRD11 protein (p.Pro1670Ala).